The following is an entry in ClinVar:

ClinVar aggregate classification (germline): Conflicting classifications of pathogenicity. Review status: criteria provided, conflicting classifications (1 of 4 stars). 2 submissions from 2 submitters: Likely pathogenic (1); Uncertain significance (1). Last evaluated 2025-04-23.

Conditions:
Neurofibromatosis, type 1 (NF1). Also called: VON RECKLINGHAUSEN DISEASE; NEUROFIBROMATOSIS, TYPE I, SOMATIC; Peripheral type neurofibromatosis; Neurofibromatosis, type I. Identifiers: Orphanet 636, MedGen C0027831, MONDO:0018975, OMIM 162200. Disease mechanism: loss of function.

Submissions (2):

Labcorp Genetics (formerly Invitae), Labcorp
Classification: Likely pathogenic for Neurofibromatosis, type 1. Last evaluated: 2025-04-23. Review status: criteria provided, single submitter. Criteria: Invitae Variant Classification Sherloc (09022015). Collection method: clinical testing. Allele origin: germline.
Comment: This sequence change replaces proline, which is neutral and non-polar, with histidine, which is basic and polar, at codon 1395 of the NF1 protein (p.Pro1395His). This variant is not present in population databases (gnomAD no frequency). This missense change has been observed in individual(s) with neurofibromatosis type 1 (PMID: 24232412). ClinVar contains an entry for this variant (Variation ID: 561508). Invitae Evidence Modeling of protein sequence and biophysical properties (such as structural, functional, and spatial information, amino acid conservation, physicochemical variation, residue mobility, and thermodynamic stability) indicates that this missense variant is expected to disrupt NF1 protein function with a positive predictive value of 95%. In summary, the currently available evidence indicates that the variant is pathogenic, but additional data are needed to prove that conclusively. Therefore, this variant has been classified as Likely Pathogenic.

GeneDx
Classification: Uncertain significance. Last evaluated: 2021-01-26. Review status: criteria provided, single submitter. Criteria: GeneDx Variant Classification Process June 2021. Collection method: clinical testing. Allele origin: germline. Affected: yes.
Comment: Not observed in large population cohorts (Lek et al., 2016); In silico analysis supports that this missense variant has a deleterious effect on protein structure/function; This variant is associated with the following publications: (PMID: 24232412)

Literature cited by the submitters: PubMed 24232412 (cited by Labcorp Genetics (formerly Invitae), Labcorp).

NM_001042492.3(NF1):c.4247C>A (p.Pro1416His)

Gene: NF1 (neurofibromin 1; plus strand). Cytogenetic location: 17q11.2.
Variant type: single nucleotide variant.
Coding change: c.4247C>A on transcript NM_001042492.3 (MANE Select); coding-DNA position 4247, C replaced by A.
Protein change: p.Pro1416His; replaces proline 1416 with histidine.
Molecular consequence: missense variant.
Genome position (GRCh38, 1-based): chr17:31,258,417, C>A. VCF-style: chr17-31258417-C-A. GRCh37 (hg19) VCF-style: chr17-29585435-C-A.
Other names: c.4184C>A, p.Pro1395His (NM_000267.4); short protein forms P1395H, P1416H.
Identifiers: ClinVar variation 561508 (VCV000561508.3), dbSNP rs1555618521, ClinGen allele CA398997887.